The following is an entry in ClinVar:

NM_013352.4(DSE):c.-53-4G>A

Gene: DSE (dermatan sulfate epimerase; plus strand). Cytogenetic location: 6q22.1.
Variant type: single nucleotide variant.
Coding change: c.-53-4G>A on transcript NM_013352.4 (MANE Select); 4 bases into the intron before 53 bases upstream of the start codon, G replaced by A.
Molecular consequence: intron variant.
Genome position (GRCh38, 1-based): chr6:116,399,194, G>A. VCF-style: chr6-116399194-G-A. GRCh37 (hg19) VCF-style: chr6-116720357-G-A.
Other names: c.-53-4G>A (NM_001322937.2, NM_001322938.2, NM_001080976.3 and 2 more transcripts); c.-610-4G>A (NM_001322940.2, NM_001322941.2); c.5-4G>A (NM_001322939.2).
Identifiers: ClinVar variation 669056 (VCV000669056.2), dbSNP rs763584486, ClinGen allele CA3969417.

ClinVar aggregate classification (germline): Conflicting classifications of pathogenicity. Review status: criteria provided, conflicting classifications (1 of 4 stars). 2 submissions from 2 submitters: Uncertain significance (1); Likely benign (1). Last evaluated 2025-05-05.

Allele frequency attached by ClinVar (database versions not stated): ExAC 0.00003; gnomAD exomes 0.00004; gnomAD 0.00005; TOPMed 0.00006.
gnomAD v4.1: 51 of 1,607,834 alleles (0.0032%); highest among the groups gnomAD compares: African/African-American, 0.0067%; no homozygotes.

Submissions (2):

Women's Health and Genetics/Laboratory Corporation of America, LabCorp
Classification: Uncertain significance. Last evaluated: 2025-05-05. Review status: criteria provided, single submitter. Criteria: LabCorp Variant Classification Summary - May 2015. Collection method: clinical testing. Allele origin: germline.
Comment: Variant summary: DSE c.-53-4G>A is located in the untranslated mRNA region upstream of the initiation codon. Consensus agreement among computation tools predict no significant impact on normal splicing. However, these predictions have yet to be confirmed by functional studies. The variant allele was found at a frequency of 3.7e-05 in 246116 control chromosomes (gnomAD). The available data on variant occurrences in the general population are insufficient to allow any conclusion about variant significance. To our knowledge, no occurrence of c.-53-4G>A in individuals affected with Ehlers-Danlos syndrome, musculocontractural type 2 and no experimental evidence demonstrating its impact on protein function have been reported. ClinVar contains an entry for this variant (Variation ID: 669056). Based on the evidence outlined above, the variant was classified as uncertain significance.

GeneDx
Classification: Likely benign. Last evaluated: 2018-06-04. Review status: criteria provided, single submitter. Criteria: GeneDx Variant Classification (06012015). Collection method: clinical testing. Allele origin: germline. Affected: yes.
Comment: This variant is considered likely benign or benign based on one or more of the following criteria: it is a conservative change, it occurs at a poorly conserved position in the protein, it is predicted to be benign by multiple in silico algorithms, and/or has population frequency not consistent with disease.